The following is an entry in ClinVar:

ClinVar aggregate classification (germline): Uncertain significance (1 of 4 stars; one submission).

Conditions:
Pseudohypoaldosteronism type 2E (PHA2E). Also called: Pseudohypoaldosteronism Type IIE. Identifiers: Orphanet 300530, Orphanet 757, MedGen C3469606, MONDO:0013782, OMIM 614496.

Submission:

MVZ Medizinische Genetik Mainz
Classification: Uncertain significance for Pseudohypoaldosteronism type 2E. Last evaluated: 2023-01-05. Review status: criteria provided, single submitter. Criteria: UK Practice Guidelines For Variant Classification V4 01 2020. Collection method: clinical testing. Allele origin: germline. Inheritance: Autosomal dominant inheritance. Affected: yes. Observed: 1 variant allele.
Comment: PM1_SUP, PM2_SUP, PP4

NM_003590.5(CUL3):c.1207-19C>G

Gene: CUL3 (cullin 3; minus strand). Cytogenetic location: 2q36.2.
Variant type: single nucleotide variant.
Coding change: c.1207-19C>G on transcript NM_003590.5 (MANE Select); 19 bases into the intron before coding-DNA position 1207, C replaced by G.
Molecular consequence: intron variant.
Genome position (GRCh38, 1-based): chr2:224,503,841, G>C on the plus strand (C>G on the coding strand, the complement: CUL3 is on the minus strand). VCF-style: chr2-224503841-G-C. GRCh37 (hg19) VCF-style: chr2-225368558-G-C.
Other names: c.1009-19C>G (NM_001257197.2); c.1225-19C>G (NM_001257198.2).
Identifiers: ClinVar variation 3061868 (VCV003061868.1), dbSNP rs2106197835, ClinGen allele CA2701741841.
Genomic context (GRCh38, chr2:224,503,841, plus strand): 5'-CATTGCTTTATCCAATATTGTTTCTACTTCTTGTTCTGTTAGCTGCAAAATTAAGATGAT[G>C]TAACAATTATACAATTTTAGTTCTACAAAAGCAGTACTACGGTTCATTTACAGCTTAAAA-3'